The following is an entry in ClinVar:

ClinVar aggregate classification (germline): Uncertain significance (1 of 4 stars; one submission).

Conditions:
Immunodeficiency 39 (IMD39). Identifiers: Orphanet 574918, MedGen C4225358, MONDO:0014597, OMIM 616345.

Submission:

Labcorp Genetics (formerly Invitae), Labcorp
Classification: Uncertain significance for Immunodeficiency 39. Last evaluated: 2020-04-30. Review status: criteria provided, single submitter. Criteria: Invitae Variant Classification Sherloc (09022015). Collection method: clinical testing. Allele origin: germline.
Comment: In summary, the available evidence is currently insufficient to determine the role of this variant in disease. Therefore, it has been classified as a Variant of Uncertain Significance. Algorithms developed to predict the effect of missense changes on protein structure and function are either unavailable or do not agree on the potential impact of this missense change (SIFT: "Tolerated"; PolyPhen-2: "Probably Damaging"; Align-GVGD: "Class C0"). This variant has not been reported in the literature in individuals with IRF7-related conditions. This variant is not present in population databases (ExAC no frequency). This sequence change replaces proline with leucine at codon 368 of the IRF7 protein (p.Pro368Leu). The proline residue is moderately conserved and there is a moderate physicochemical difference between proline and leucine.

NM_001572.5(IRF7):c.1064C>T (p.Pro355Leu)

Gene: IRF7 (interferon regulatory factor 7; minus strand). Cytogenetic location: 11p15.5.
Variant type: single nucleotide variant.
Coding change: c.1064C>T on transcript NM_001572.5 (MANE Select); coding-DNA position 1064, C replaced by T.
Protein change: p.Pro355Leu; replaces proline 355 with leucine.
Molecular consequence: missense variant.
Genome position (GRCh38, 1-based): chr11:613,379, G>A on the plus strand (C>T on the coding strand, the complement: IRF7 is on the minus strand). VCF-style: chr11-613379-G-A. GRCh37 (hg19) VCF-style: chr11-613379-G-A.
Other names: c.977C>T, p.Pro326Leu (NM_004029.4); c.1103C>T, p.Pro368Leu (NM_004031.4); short protein forms P368L, P355L, P326L.
Identifiers: ClinVar variation 1046040 (VCV001046040.8), dbSNP rs1856561411, ClinGen allele CA378979034.
Genomic context (GRCh38, chr11:613,379, plus strand): 5'-TTGCACTTGCCCATGCGCCGGGCCCACAGCTGTGGCCCCCGAAGCTCCAGGTGCAACCCA[G>A]GGGCCACGTGCCGCAGCAGTTCCTCCGTGTAGCGCAGCTGCTTCTGGTCCGGGAGCTCGG-3'
Protein context (NP_001563.2, residues 345-365): YTEELLRHVA[Pro355Leu]GLHLELRGPQ